The following continues an entry in ClinVar:

NM_000157.4(GBA1):c.762-18T>A

ClinVar aggregate classification (germline): Benign/Likely benign. Benign (6); Likely benign (3).

Submissions 26 to 46 of 46:

Dr. Peter K. Rogan Lab, Western University
No classification provided (evidence only). Condition: Sarcoma. Review status: no classification provided. Collection method: in vitro. Allele origin: not applicable. Functional consequence: skipped exon, retained intron. Not counted in ClinVar's aggregate classification.

Dr. Peter K. Rogan Lab, Western University
No classification provided (evidence only). Condition: Ovarian serous cystadenocarcinoma. Review status: no classification provided. Collection method: in vitro. Allele origin: not applicable. Functional consequence: retained intron. Not counted in ClinVar's aggregate classification.

Dr. Peter K. Rogan Lab, Western University
No classification provided (evidence only). Condition: Gastric cancer. Review status: no classification provided. Collection method: in vitro. Allele origin: not applicable. Functional consequence: retained intron. Not counted in ClinVar's aggregate classification.

Dr. Peter K. Rogan Lab, Western University
No classification provided (evidence only). Condition: Uveal melanoma. Review status: no classification provided. Collection method: in vitro. Allele origin: not applicable. Functional consequence: skipped exon, retained intron. Not counted in ClinVar's aggregate classification.

Dr. Peter K. Rogan Lab, Western University
No classification provided (evidence only). Condition: Malignant tumor of esophagus. Review status: no classification provided. Collection method: in vitro. Allele origin: not applicable. Functional consequence: retained intron. Not counted in ClinVar's aggregate classification.

Dr. Peter K. Rogan Lab, Western University
No classification provided (evidence only). Condition: Malignant tumor of esophagus. Review status: no classification provided. Collection method: in vitro. Allele origin: not applicable. Functional consequence: retained intron. Not counted in ClinVar's aggregate classification.

Dr. Peter K. Rogan Lab, Western University
No classification provided (evidence only). Condition: Malignant tumor of esophagus. Review status: no classification provided. Collection method: in vitro. Allele origin: not applicable. Functional consequence: retained intron. Not counted in ClinVar's aggregate classification.

Dr. Peter K. Rogan Lab, Western University
No classification provided (evidence only). Condition: Malignant tumor of esophagus. Review status: no classification provided. Collection method: in vitro. Allele origin: not applicable. Functional consequence: skipped exon. Not counted in ClinVar's aggregate classification.

Dr. Peter K. Rogan Lab, Western University
No classification provided (evidence only). Condition: Nonpapillary renal cell carcinoma. Review status: no classification provided. Collection method: in vitro. Allele origin: not applicable. Functional consequence: retained intron. Not counted in ClinVar's aggregate classification.

Dr. Peter K. Rogan Lab, Western University
No classification provided (evidence only). Condition: Nonpapillary renal cell carcinoma. Review status: no classification provided. Collection method: in vitro. Allele origin: not applicable. Functional consequence: skipped exon, retained intron. Not counted in ClinVar's aggregate classification.

Dr. Peter K. Rogan Lab, Western University
No classification provided (evidence only). Condition: Nonpapillary renal cell carcinoma. Review status: no classification provided. Collection method: in vitro. Allele origin: not applicable. Functional consequence: retained intron. Not counted in ClinVar's aggregate classification.

Dr. Peter K. Rogan Lab, Western University
No classification provided (evidence only). Condition: Nonpapillary renal cell carcinoma. Review status: no classification provided. Collection method: in vitro. Allele origin: not applicable. Functional consequence: skipped exon. Not counted in ClinVar's aggregate classification.

Dr. Peter K. Rogan Lab, Western University
No classification provided (evidence only). Condition: Familial pancreatic carcinoma. Review status: no classification provided. Collection method: in vitro. Allele origin: not applicable. Functional consequence: retained intron. Not counted in ClinVar's aggregate classification.

Dr. Peter K. Rogan Lab, Western University
No classification provided (evidence only). Condition: Familial pancreatic carcinoma. Review status: no classification provided. Collection method: in vitro. Allele origin: not applicable. Functional consequence: retained intron. Not counted in ClinVar's aggregate classification.

Dr. Peter K. Rogan Lab, Western University
No classification provided (evidence only). Condition: Lymphoma. Review status: no classification provided. Collection method: in vitro. Allele origin: not applicable. Functional consequence: retained intron. Not counted in ClinVar's aggregate classification.

Dr. Peter K. Rogan Lab, Western University
No classification provided (evidence only). Condition: Lymphoma. Review status: no classification provided. Collection method: in vitro. Allele origin: not applicable. Functional consequence: retained intron. Not counted in ClinVar's aggregate classification.

Dr. Peter K. Rogan Lab, Western University
No classification provided (evidence only). Condition: Lymphoma. Review status: no classification provided. Collection method: in vitro. Allele origin: not applicable. Functional consequence: retained intron. Not counted in ClinVar's aggregate classification.

Dr. Peter K. Rogan Lab, Western University
No classification provided (evidence only). Condition: Lymphoma. Review status: no classification provided. Collection method: in vitro. Allele origin: not applicable. Functional consequence: skipped exon, retained intron. Not counted in ClinVar's aggregate classification.

Dr. Peter K. Rogan Lab, Western University
No classification provided (evidence only). Condition: Ovarian cancer. Review status: no classification provided. Collection method: in vitro. Allele origin: not applicable. Functional consequence: retained intron. Not counted in ClinVar's aggregate classification.

Dr. Peter K. Rogan Lab, Western University
No classification provided (evidence only). Condition: Ovarian cancer. Review status: no classification provided. Collection method: in vitro. Allele origin: not applicable. Functional consequence: retained intron. Not counted in ClinVar's aggregate classification.

Dr. Peter K. Rogan Lab, Western University
No classification provided (evidence only). Condition: Ovarian cancer. Review status: no classification provided. Collection method: in vitro. Allele origin: not applicable. Functional consequence: retained intron. Not counted in ClinVar's aggregate classification.

Literature cited by the submitters: PubMed 29948939 (cited by Mayo Clinic Laboratories, Mayo Clinic); PubMed 3118902 (cited by Mayo Clinic Laboratories, Mayo Clinic); PubMed 32303560 (cited by Mayo Clinic Laboratories, Mayo Clinic); PubMed 32714263 (cited by Mayo Clinic Laboratories, Mayo Clinic); PubMed 37027993 (cited by Mayo Clinic Laboratories, Mayo Clinic).